The following is an entry in ClinVar:

ClinVar aggregate classification (germline): Conflicting classifications of pathogenicity. Review status: criteria provided, conflicting classifications (1 of 4 stars). 3 submissions from 3 submitters: Uncertain significance (2); Likely benign (1). Last evaluated 2024-03-19.

Conditions:
Hyper-IgE recurrent infection syndrome 1, autosomal dominant. Also called: Job's Syndrome; HYPER-IgE SYNDROME 1, AUTOSOMAL DOMINANT, WITH RECURRENT INFECTIONS; Hyper-IgE recurrent infection syndrome 1; JOB SYNDROME; STAT3 Hyper IgE Syndrome. Identifiers: Orphanet 2314, MedGen C2936739, MONDO:0007818, OMIM 147060.
STAT3 gain of function. Identifiers: MedGen C4288261.
STAT3-related early-onset multisystem autoimmune disease. Also called: Autoimmune disease, multisystem, infantile-onset, 1. Identifiers: Orphanet 438159, MedGen C4014795, MONDO:0014414, OMIM 615952.

Allele frequency attached by ClinVar (database versions not stated): ExAC 0.00001; gnomAD 0.00001; gnomAD exomes 0.00001 and 0.00003; TOPMed 0.00001.
gnomAD v4.1: 17 of 1,613,574 alleles (0.0011%); highest among the groups gnomAD compares: Admixed American, 0.005%; no homozygotes.

Submissions (3):

Fulgent Genetics
Classification: Uncertain significance for Hyper-IgE recurrent infection syndrome 1, autosomal dominant; STAT3-related early-onset multisystem autoimmune disease. Last evaluated: 2024-03-19. Review status: criteria provided, single submitter. Criteria: ACMG Guidelines, 2015. Collection method: clinical testing. Allele origin: germline.

Blueprint Genetics
Classification: Likely benign. Last evaluated: 2023-08-21. Review status: criteria provided, single submitter. Criteria: ACMG Guidelines, 2015. Collection method: clinical testing. Allele origin: germline.

Labcorp Genetics (formerly Invitae), Labcorp
Classification: Uncertain significance for STAT3 gain of function; Hyper-IgE recurrent infection syndrome 1, autosomal dominant. Last evaluated: 2023-08-08. Review status: criteria provided, single submitter. Criteria: Invitae Variant Classification Sherloc (09022015). Collection method: clinical testing. Allele origin: germline.
Comment: In summary, the available evidence is currently insufficient to determine the role of this variant in disease. Therefore, it has been classified as a Variant of Uncertain Significance. Algorithms developed to predict the effect of sequence changes on RNA splicing suggest that this variant is not likely to affect RNA splicing. ClinVar contains an entry for this variant (Variation ID: 1436769). This variant has not been reported in the literature in individuals affected with STAT3-related conditions. This variant is present in population databases (rs769658142, gnomAD 0.01%). This sequence change replaces serine, which is neutral and polar, with serine, which is neutral and polar, at codon 629 of the STAT3 protein (Silent).

NM_139276.3(STAT3):c.1887C>T (p.Ser629=)

Gene: STAT3 (signal transducer and activator of transcription 3; minus strand). Cytogenetic location: 17q21.2.
Variant type: single nucleotide variant.
Coding change: c.1887C>T on transcript NM_139276.3 (MANE Select); coding-DNA position 1887, C replaced by T.
Protein change: p.Ser629=; no amino-acid change (serine 629 retained).
Molecular consequence: synonymous variant.
Genome position (GRCh38, 1-based): chr17:42,323,005, G>A on the plus strand (C>T on the coding strand, the complement: STAT3 is on the minus strand). VCF-style: chr17-42323005-G-A. GRCh37 (hg19) VCF-style: chr17-40475023-G-A.
Other names: c.1887C>T, p.Ser629= (NM_001369512.1, NM_001369513.1, NM_001369514.1 and 9 more transcripts); c.1803C>T, p.Ser601= (NM_001384984.1); c.1809C>T, p.Ser603= (NM_001384985.1); c.1902C>T, p.Ser634= (NM_001384986.1, NM_001384990.1); c.1866C>T, p.Ser622= (NM_001384987.1); c.1791C>T, p.Ser597= (NM_001384989.1); c.1860C>T, p.Ser620= (NM_001384991.1); c.1827C>T, p.Ser609= (NM_001384992.1).
Identifiers: ClinVar variation 1436769 (VCV001436769.8), dbSNP rs769658142, ClinGen allele CA8575203.